The following is an entry in ClinVar:

ClinVar aggregate classification (germline): Uncertain significance (1 of 4 stars; one submission).

Conditions:
Charcot-Marie-Tooth disease type 4. Also called: Charcot-Marie-Tooth disease, type IV; Charcot-Marie-Tooth, Type 4. Identifiers: Orphanet 64749, MedGen C4082197, MONDO:0018995.

Submission:

Labcorp Genetics (formerly Invitae), Labcorp
Classification: Uncertain significance for Charcot-Marie-Tooth disease type 4. Last evaluated: 2022-01-17. Review status: criteria provided, single submitter. Criteria: Invitae Variant Classification Sherloc (09022015). Collection method: clinical testing. Allele origin: germline.
Comment: This sequence change replaces alanine, which is neutral and non-polar, with aspartic acid, which is acidic and polar, at codon 329 of the NDRG1 protein (p.Ala329Asp). This variant is not present in population databases (gnomAD no frequency). This variant has not been reported in the literature in individuals affected with NDRG1-related conditions. Algorithms developed to predict the effect of missense changes on protein structure and function (SIFT, PolyPhen-2, Align-GVGD) all suggest that this variant is likely to be tolerated. In summary, the available evidence is currently insufficient to determine the role of this variant in disease. Therefore, it has been classified as a Variant of Uncertain Significance.

NM_006096.4(NDRG1):c.986C>A (p.Ala329Asp)

Gene: NDRG1 (N-myc downstream regulated 1; minus strand). Cytogenetic location: 8q24.22.
Variant type: single nucleotide variant.
Coding change: c.986C>A on transcript NM_006096.4 (MANE Select); coding-DNA position 986, C replaced by A.
Protein change: p.Ala329Asp; replaces alanine 329 with aspartic acid.
Molecular consequence: missense variant.
Genome position (GRCh38, 1-based): chr8:133,239,077, G>T on the plus strand (C>A on the coding strand, the complement: NDRG1 is on the minus strand). VCF-style: chr8-133239077-G-T. GRCh37 (hg19) VCF-style: chr8-134251320-G-T.
Other names: c.986C>A, p.Ala329Asp (NM_001135242.2, NM_001374845.1, NM_001374846.1); c.788C>A, p.Ala263Asp (NM_001258432.2, NM_001374847.1); c.743C>A, p.Ala248Asp (NM_001258433.2); c.1037C>A, p.Ala346Asp (NM_001374844.1); short protein forms A263D, A329D, A346D, A248D.
Identifiers: ClinVar variation 2087242 (VCV002087242.1), dbSNP rs1049669123, ClinGen allele CA372254581.